The following is an entry in ClinVar:

ClinVar aggregate classification (germline): Uncertain significance (1 of 4 stars; one submission).

Conditions:
Myosin storage myopathy (CMYO7A). Also called: Scapuloperoneal myopathy, MYH7-related; MYOPATHY WITH LYSIS OF TYPE I MYOFIBRILS; SCAPULOPERONEAL MUSCULAR DYSTROPHY; SCAPULOPERONEAL SYNDROME, MYOPATHIC TYPE; MYH7-related late-onset scapuloperoneal muscular dystrophy; Congenital myopathy 7A, myosin storage, autosomal dominant. Identifiers: Orphanet 437572, Orphanet 636965, MedGen C1842160, MONDO:0008409, OMIM 608358.

Submission:

Diagnostics Services (NGS), CSIR - Centre For Cellular And Molecular Biology
Classification: Uncertain significance for Myosin storage myopathy. Last evaluated: 2026-04-28. Review status: criteria provided, single submitter. Criteria: ACMG Guidelines, 2015. Collection method: clinical testing. Allele origin: germline. Affected: yes. Observed: 1 variant allele, 1 heterozygote.
Comment: The c.4066_4092dup variant is not present in publicly available population databases like 1000 Genomes, gnomAD, EVS, Indian Exome Database or our internal database. This variant has not been published in the literature for MYH7-related conditions nor reported to clinical databases like Human Genome Mutation Database (HGMD), ClinVar or OMIM in any affected individuals. In-silico pathogenicity prediction programs like MutationTaster2021, CADD, Franklin, Varsome etc predicted this variant to be likely deleterious, however these predictions were not confirmed by published functional/translational studies. This variant is present in a non-repeat region of the gene which causes in-frame insertion of 9 amino acids in the wild-type transcript that changes the protein length, but otherwise preserves the integrity of the reading frame.

NM_000257.4(MYH7):c.4066_4092dup (p.Ala1364_Asn1365insGluLeuGlnArgValLeuSerLysAla)

Gene: MYH7 (myosin heavy chain 7; minus strand). Cytogenetic location: 14q11.2.
Variant type: Duplication.
Coding change: c.4066_4092dup on transcript NM_000257.4 (MANE Select); coding-DNA positions 4066 to 4092, 27 bases duplicated (GAGCTGCAGCGCGTCCTTTCCAAGGCC).
Protein change: p.Ala1364_Asn1365insGluLeuGlnArgValLeuSerLysAla.
Genome position (GRCh38, 1-based): chr14:23,418,287-23,418,313, GGCCTTGGAAAGGACGCGCTGCAGCTC duplicated on the plus strand (GAGCTGCAGCGCGTCCTTTCCAAGGCC on the coding strand, the reverse complement: MYH7 is on the minus strand); duplicating any 27 consecutive bases within chr14:23,418,287-23,418,321 gives the same sequence; the c. name uses the placement nearest the transcript's 3' end. VCF-style (leftmost placement, unchanged base first): chr14-23418286-T-TGGCCTTGGAAAGGACGCGCTGCAGCTC. GRCh37 (hg19) VCF-style: chr14-23887495-T-TGGCCTTGGAAAGGACGCGCTGCAGCTC.
Other names: c.4066_4092dup, p.Ala1364_Asn1365insGluLeuGlnArgValLeuSerLysAla (NM_001407004.1).
Identifiers: ClinVar variation 4852786 (VCV004852786.1).